The following is an entry in ClinVar:

ClinVar aggregate classification (germline): Likely pathogenic (1 of 4 stars; one submission).

Submission:

GeneDx
Classification: Likely pathogenic. Last evaluated: 2026-09-24. Review status: criteria provided, single submitter. Criteria: GeneDx Variant Classification Process June 2021. Collection method: clinical testing. Allele origin: germline.
Comment: Frameshift variant predicted to result in protein truncation or nonsense mediated decay in a gene for which loss of function is a known mechanism of disease; Not observed at significant frequency in large population cohorts (gnomAD); Has not been previously published as pathogenic or benign to our knowledge

NM_003718.5(CDK13):c.3300del (p.Gln1100fs)

Gene: CDK13 (cyclin dependent kinase 13; plus strand). Cytogenetic location: 7p14.1.
Variant type: Deletion.
Coding change: c.3300del on transcript NM_003718.5 (MANE Select); coding-DNA position 3300, one base deleted (A; older notation c.3300delA).
Protein change: p.Gln1100fs; shifts the reading frame from glutamine 1100.
Molecular consequence: frameshift variant. On other transcripts: intron variant (1).
Genome position (GRCh38, 1-based): chr7:40,092,849, A deleted; the last of 2 consecutive A bases (chr7:40,092,848-40,092,849); deleting either gives the same sequence. VCF-style (leftmost placement, unchanged base first): chr7-40092847-CA-C. GRCh37 (hg19) VCF-style: chr7-40132446-CA-C.
Other names: c.3236-116del (NM_031267.3); short protein forms Q1100fs.
Identifiers: ClinVar variation 3766118 (VCV003766118.2).